The following is an entry in ClinVar:

ClinVar aggregate classification (germline): Uncertain significance (1 of 4 stars; one submission).

Submission:

Labcorp Genetics (formerly Invitae), Labcorp
Classification: Uncertain significance. Last evaluated: 2024-05-15. Review status: criteria provided, single submitter. Criteria: Invitae Variant Classification Sherloc (09022015). Collection method: clinical testing. Allele origin: germline.
Comment: This variant, c.873_890del, results in the deletion of 6 amino acid(s) of the SMARCA2 protein (p.Gln296_Ala301del), but otherwise preserves the integrity of the reading frame. The frequency data for this variant in the population databases is considered unreliable, as metrics indicate insufficient coverage at this position in the gnomAD database. This variant has not been reported in the literature in individuals affected with SMARCA2-related conditions. ClinVar contains an entry for this variant (Variation ID: 2029259). Experimental studies and prediction algorithms are not available or were not evaluated, and the functional significance of this variant is currently unknown. In summary, the available evidence is currently insufficient to determine the role of this variant in disease. Therefore, it has been classified as a Variant of Uncertain Significance.

NM_003070.5(SMARCA2):c.873_890del (p.Gln296_Ala301del)

Gene: SMARCA2 (SWI/SNF related BAF chromatin remodeling complex subunit ATPase 2; plus strand). Cytogenetic location: 9p24.3.
Variant type: Deletion.
Coding change: c.873_890del on transcript NM_003070.5 (MANE Select); coding-DNA positions 873 to 890, 18 bases deleted (CCCCGCAGCCGCGCAGCC).
Protein change: p.Gln296_Ala301del.
Molecular consequence: inframe deletion. On other transcripts: inframe indel (1).
Genome position (GRCh38, 1-based): chr9:2,047,311-2,047,328, CCCCGCAGCCGCGCAGCC deleted; deleting any 18 consecutive bases within chr9:2,047,308-2,047,328 gives the same sequence; the c. name uses the placement nearest the transcript's 3' end. VCF-style (leftmost placement, unchanged base first): chr9-2047307-CGCCCCCCGCAGCCGCGCA-C. GRCh37 (hg19) VCF-style: chr9-2047307-CGCCCCCCGCAGCCGCGCA-C.
Other names: c.873_890del18, p.Gln296_Ala301del (NM_001289396.2); c.873_890del, p.Gln296_Ala301del (NM_001289397.2, NM_139045.4).
Identifiers: ClinVar variation 2029259 (VCV002029259.4), dbSNP rs2537243356, ClinGen allele CA2580080177.
Genomic context (GRCh38, chr9:2,047,307, plus strand): 5'-GCGGCCCGAGCACCCCGCAGAAGCTGCCGGTGCCCGCGCCCGGCGGCCGGCCCTCGCCCG[CGCCCCCCGCAGCCGCGCA>C]GCCGCCCGCGGCCGCAGTGCCCGGGCCCTCAGTGCCGCAGCCGGCCCCGGGGCAGCCCTC-3'